The following is an entry in ClinVar:

NM_001365276.2(TNXB):c.997A>C (p.Thr333Pro)

Gene: TNXB (tenascin XB; minus strand). Cytogenetic location: 6p21.33.
Variant type: single nucleotide variant.
Coding change: c.997A>C on transcript NM_001365276.2 (MANE Select); coding-DNA position 997, A replaced by C.
Protein change: p.Thr333Pro; replaces threonine 333 with proline.
Molecular consequence: missense variant.
Genome position (GRCh38, 1-based): chr6:32,096,856, T>G on the plus strand (A>C on the coding strand, the complement: TNXB is on the minus strand). VCF-style: chr6-32096856-T-G. GRCh37 (hg19) VCF-style: chr6-32064633-T-G.
Other names: c.997A>C, p.Thr333Pro (NM_019105.8); short protein forms T333P.
Identifiers: ClinVar variation 1768785 (VCV001768785.2), dbSNP rs2483762502, ClinGen allele CA363484336.

ClinVar aggregate classification (germline): Uncertain significance (1 of 4 stars; one submission).

Conditions:
Cardiovascular phenotype. Identifiers: MedGen CN230736.

Allele frequency attached by ClinVar (database versions not stated): gnomAD exomes below 0.00001.
gnomAD v4.1: 2 of 1,607,220 alleles (0.00012%); highest among the groups gnomAD compares: Non-Finnish European, 0.00017%; no homozygotes.

Submission:

Ambry Genetics
Classification: Uncertain significance for Cardiovascular phenotype. Last evaluated: 2022-10-09. Review status: criteria provided, single submitter. Criteria: Ambry Variant Classification Scheme 2023. Collection method: clinical testing. Allele origin: germline.
Comment: The p.T333P variant (also known as c.997A>C), located in coding exon 2 of the TNXB gene, results from an A to C substitution at nucleotide position 997. The threonine at codon 333 is replaced by proline, an amino acid with highly similar properties. This amino acid position is conserved. In addition, this alteration is predicted to be tolerated by in silico analysis. Since supporting evidence is limited at this time, the clinical significance of this alteration remains unclear.